The following is an entry in ClinVar:

ClinVar aggregate classification (germline): Uncertain significance. Review status: criteria provided, multiple submitters, no conflicts (2 of 4 stars). 3 submissions from 3 submitters: Uncertain significance (3). Last evaluated 2025-01-20.

Conditions:
Inborn genetic diseases. Identifiers: MedGen C0950123, MeSH D030342.

Allele frequency attached by ClinVar (database versions not stated): gnomAD 0.00008 and 0.00009; 1000 Genomes Project 30x 0.00016; 1000 Genomes Project 0.00020.
gnomAD v4.1: 38 of 1,599,752 alleles (0.0024%); highest among the groups gnomAD compares: African/African-American, 0.016%; no homozygotes.

Submissions (3):

Ambry Genetics
Classification: Uncertain significance for Inborn genetic diseases. Last evaluated: 2025-01-20. Review status: criteria provided, single submitter. Criteria: Ambry Variant Classification Scheme 2023. Collection method: clinical testing. Allele origin: germline.

GeneDx
Classification: Uncertain significance. Last evaluated: 2023-01-09. Review status: criteria provided, single submitter. Criteria: GeneDx Variant Classification Process June 2021. Collection method: clinical testing. Allele origin: germline. Affected: yes.
Comment: In silico analysis supports that this missense variant has a deleterious effect on protein structure/function; Has not been previously published as pathogenic or benign to our knowledge

Labcorp Genetics (formerly Invitae), Labcorp
Classification: Uncertain significance. Last evaluated: 2022-07-24. Review status: criteria provided, single submitter. Criteria: Invitae Variant Classification Sherloc (09022015). Collection method: clinical testing. Allele origin: germline.
Comment: This sequence change replaces arginine, which is basic and polar, with tryptophan, which is neutral and slightly polar, at codon 3247 of the SPEG protein (p.Arg3247Trp). This variant is present in population databases (rs565990660, gnomAD 0.008%). This variant has not been reported in the literature in individuals affected with SPEG-related conditions. ClinVar contains an entry for this variant (Variation ID: 1424786). Algorithms developed to predict the effect of missense changes on protein structure and function are either unavailable or do not agree on the potential impact of this missense change (SIFT: "Deleterious"; PolyPhen-2: "Probably Damaging"; Align-GVGD: "Class C0"). In summary, the available evidence is currently insufficient to determine the role of this variant in disease. Therefore, it has been classified as a Variant of Uncertain Significance.

NM_005876.5(SPEG):c.9739C>T (p.Arg3247Trp)

Genes: ASIC4-AS1 (ASIC4 antisense RNA 1; minus strand), SPEG (striated muscle enriched protein kinase; plus strand). Cytogenetic location: 2q35.
Variant type: single nucleotide variant.
Coding change: c.9739C>T on transcript NM_005876.5 (MANE Select); coding-DNA position 9739, C replaced by T.
Protein change: p.Arg3247Trp; replaces arginine 3247 with tryptophan.
Molecular consequence: missense variant.
Genome position (GRCh38, 1-based): chr2:219,492,721, C>T. VCF-style: chr2-219492721-C-T. GRCh37 (hg19) VCF-style: chr2-220357443-C-T.
Other names: short protein forms R3247W.
Identifiers: ClinVar variation 1424786 (VCV001424786.8), dbSNP rs565990660, ClinGen allele CA2127860.
Genomic context (GRCh38, chr2:219,492,721, plus strand): 5'-CGCCGCCAGACGCTCACCTTCACCACCAACCGGCTCAAGGAGTTCCTGGGCGAGCAGCGG[C>T]GGCGCCGGGCTGAGGCTGCCACCCGCCACAAGGTGCTGCTGCGCTCCTACCCTGGCGGCC-3'
Protein context (NP_005867.3, residues 3237-3257): RLKEFLGEQR[Arg3247Trp]RRAEAATRHK